The following is an entry in ClinVar:

NM_031220.4(PITPNM3):c.477C>T (p.Ser159=)

Gene: PITPNM3 (PITPNM family member 3; minus strand). Cytogenetic location: 17p13.2.
Variant type: single nucleotide variant.
Coding change: c.477C>T on transcript NM_031220.4 (MANE Select); coding-DNA position 477, C replaced by T.
Protein change: p.Ser159=; no amino-acid change (serine 159 retained).
Molecular consequence: synonymous variant.
Genome position (GRCh38, 1-based): chr17:6,483,627, G>A on the plus strand (C>T on the coding strand, the complement: PITPNM3 is on the minus strand). VCF-style: chr17-6483627-G-A. GRCh37 (hg19) VCF-style: chr17-6386947-G-A.
Other names: c.369C>T, p.Ser123= (NM_001165966.2).
Identifiers: ClinVar variation 261948 (VCV000261948.15), dbSNP rs34897053, ClinGen allele CA8329816.

ClinVar aggregate classification (germline): Benign. Review status: criteria provided, multiple submitters, no conflicts (2 of 4 stars). 5 submissions from 5 submitters: Benign (5). Last evaluated 2026-02-02.

Conditions:
Cone-rod dystrophy 5 (CORD5). Identifiers: Orphanet 1872, MedGen C1832976, MONDO:0010969, OMIM 600977.

Allele frequency attached by ClinVar (database versions not stated): gnomAD 0.02372; gnomAD exomes 0.04990; ESP Exome Variant Server 0.01745; ExAC 0.04721; 1000 Genomes Project 30x 0.06527; TOPMed 0.02730; 1000 Genomes Project 0.06649.
gnomAD v4.1: 52,801 of 1,614,062 alleles (3.3%); highest among the groups gnomAD compares: South Asian, 12%; 1,644 homozygotes.

Submissions (5):

Labcorp Genetics (formerly Invitae), Labcorp
Classification: Benign. Last evaluated: 2026-02-02. Review status: criteria provided, single submitter. Criteria: Invitae Variant Classification Sherloc (09022015). Collection method: clinical testing. Allele origin: germline.

GeneDx
Classification: Benign. Last evaluated: 2018-05-16. Review status: criteria provided, single submitter. Criteria: GeneDx Variant Classification (06012015). Collection method: clinical testing. Allele origin: germline. Affected: yes.
Comment: This variant is considered likely benign or benign based on one or more of the following criteria: it is a conservative change, it occurs at a poorly conserved position in the protein, it is predicted to be benign by multiple in silico algorithms, and/or has population frequency not consistent with disease.

Illumina Laboratory Services, Illumina
Classification: Benign for Cone-rod dystrophy 5. Last evaluated: 2018-01-12. Review status: criteria provided, single submitter. Criteria: ICSL Variant Classification Criteria 13 December 2019. Collection method: clinical testing. Allele origin: germline.
Comment: This variant was observed in the ICSL laboratory as part of a predisposition screen in an ostensibly healthy population. It had not been previously curated by ICSL or reported in the Human Gene Mutation Database (HGMD: prior to June 1st, 2018), and was therefore a candidate for classification through an automated scoring system. Utilizing variant allele frequency, disease prevalence and penetrance estimates, and inheritance mode, an automated score was calculated to assess if this variant is too frequent to cause the disease. Based on the score and internal cut-off values, a variant classified as benign is not then subjected to further curation. The score for this variant resulted in a classification of benign for this disease.

Breakthrough Genomics
Classification: Benign. Review status: criteria provided, single submitter. Criteria: ACMG Guidelines, 2015. Collection method: not provided. Allele origin: germline. Inheritance: Autosomal dominant inheritance. Affected: yes.

PreventionGenetics, part of Exact Sciences
Classification: Benign. Review status: criteria provided, single submitter. Criteria: ACMG Guidelines, 2015. Collection method: clinical testing. Allele origin: germline.